The following is an entry in ClinVar:

ClinVar aggregate classification (germline): Uncertain significance (1 of 4 stars; one submission).

Submission:

Labcorp Genetics (formerly Invitae), Labcorp
Classification: Uncertain significance. Last evaluated: 2024-12-14. Review status: criteria provided, single submitter. Criteria: Invitae Variant Classification Sherloc (09022015). Collection method: clinical testing. Allele origin: germline.
Comment: This variant, c.799_801del, results in the deletion of 1 amino acid(s) of the SLC9A3R1 protein (p.Glu267del), but otherwise preserves the integrity of the reading frame. This variant is present in population databases (rs746594959, gnomAD 0.05%). This variant has not been reported in the literature in individuals affected with SLC9A3R1-related conditions. Algorithms developed to predict the effect of sequence changes on RNA splicing suggest that this variant may disrupt the consensus splice site. In summary, the available evidence is currently insufficient to determine the role of this variant in disease. Therefore, it has been classified as a Variant of Uncertain Significance.

NC_000017.11:g.74768147_74768149del

Gene: NHERF1 (NHERF family PDZ scaffold protein 1; plus strand). Cytogenetic location: 17q25.1.
Variant type: Deletion.
Genome position: GRCh38 VCF-style: chr17-74768144-CAGG-C. GRCh37 (hg19) VCF-style: chr17-72764283-CAGG-C.
Identifiers: ClinVar variation 3715958 (VCV003715958.2).